The following is an entry in ClinVar:

ClinVar aggregate classification (germline): Likely benign (1 of 4 stars; one submission).

Submission:

GeneDx
Classification: Likely benign. Last evaluated: 2017-03-16. Review status: criteria provided, single submitter. Criteria: GeneDx Variant Classification (06012015). Collection method: clinical testing. Allele origin: germline. Affected: yes.
Comment: This variant is considered likely benign or benign based on one or more of the following criteria: it is a conservative change, it occurs at a poorly conserved position in the protein, it is predicted to be benign by multiple in silico algorithms, and/or has population frequency not consistent with disease.

NM_002691.4(POLD1):c.2007-22_2007-15dup

Gene: POLD1 (DNA polymerase delta 1, catalytic subunit; plus strand). Cytogenetic location: 19q13.33.
Variant type: Duplication.
Coding change: c.2007-22_2007-15dup on transcript NM_002691.4 (MANE Select); 22 bases into the intron before coding-DNA position 2007 through 15 bases into the intron before coding-DNA position 2007, 8 bases duplicated (CTTTCCCC; older notation c.2007-22_2007-15dupCTTTCCCC).
Molecular consequence: intron variant.
Genome position (GRCh38, 1-based): chr19:50,409,497-50,409,504, CTTTCCCC duplicated. VCF-style (leftmost placement, unchanged base first): chr19-50409496-G-GCTTTCCCC. GRCh37 (hg19) VCF-style: chr19-50912753-G-GCTTTCCCC.
Other names: c.2085-22_2085-15dup (LRG_785t2, NM_001308632.1); c.2007-22_2007-15dupCTTTCCCC (NM_002691.3); c.2007-22_2007-15dup (NM_001256849.1, LRG_785t1).
Identifiers: ClinVar variation 508168 (VCV000508168.1), dbSNP rs1555791968, ClinGen allele CA658799305.